The following is an entry in ClinVar:

ClinVar aggregate classification (germline): Uncertain significance (1 of 4 stars; one submission).

Conditions:
Familial adenomatous polyposis 1 (FAP1). Also called: FAMILIAL ADENOMATOUS POLYPOSIS 1, ATTENUATED; POLYPOSIS, ADENOMATOUS INTESTINAL. Identifiers: MedGen C2713442, MONDO:0021056, OMIM 175100. Disease mechanism: loss of function.

Submission:

Labcorp Genetics (formerly Invitae), Labcorp
Classification: Uncertain significance for Familial adenomatous polyposis 1. Last evaluated: 2024-10-24. Review status: criteria provided, single submitter. Criteria: Invitae Variant Classification Sherloc (09022015). Collection method: clinical testing. Allele origin: germline.
Comment: This sequence change replaces aspartic acid, which is acidic and polar, with asparagine, which is neutral and polar, at codon 2696 of the APC protein (p.Asp2696Asn). This variant is not present in population databases (gnomAD no frequency). This variant has not been reported in the literature in individuals affected with APC-related conditions. Invitae Evidence Modeling of protein sequence and biophysical properties (such as structural, functional, and spatial information, amino acid conservation, physicochemical variation, residue mobility, and thermodynamic stability) indicates that this missense variant is not expected to disrupt APC protein function with a negative predictive value of 95%. In summary, the available evidence is currently insufficient to determine the role of this variant in disease. Therefore, it has been classified as a Variant of Uncertain Significance.

NM_000038.6(APC):c.8086G>A (p.Asp2696Asn)

Gene: APC (APC regulator of Wnt signaling pathway; plus strand). Cytogenetic location: 5q22.2.
Variant type: single nucleotide variant.
Coding change: c.8086G>A on transcript NM_000038.6 (MANE Select); coding-DNA position 8086, G replaced by A.
Protein change: p.Asp2696Asn; replaces aspartic acid 2696 with asparagine.
Molecular consequence: missense variant. On other transcripts: non-coding transcript variant (2).
Genome position (GRCh38, 1-based): chr5:112,843,680, G>A. VCF-style: chr5-112843680-G-A. GRCh37 (hg19) VCF-style: chr5-112179377-G-A.
Other names: c.8086G>A, p.Asp2696Asn (NM_001127510.3, NM_001354895.2, NM_001407450.1); c.8032G>A, p.Asp2678Asn (NM_001127511.3); c.8140G>A, p.Asp2714Asn (NM_001354896.2, NM_001407447.1, NM_001407448.1 and 1 more transcripts); c.8116G>A, p.Asp2706Asn (NM_001354897.2); c.8011G>A, p.Asp2671Asn (NM_001354898.2); c.8002G>A, p.Asp2668Asn (NM_001354899.2); c.7963G>A, p.Asp2655Asn (NM_001354900.2); c.7909G>A, p.Asp2637Asn (NM_001354901.2, NM_001407453.1); and 11 more; short protein forms D2312N, D2413N, D2536N, D2567N, D2570N, D2637N, D2678N, D2714N.
Identifiers: ClinVar variation 2713769 (VCV002713769.3), dbSNP rs368724873, ClinGen allele CA16038889.